The following is an entry in ClinVar:

NM_020975.6(RET):c.1016C>T (p.Ser339Leu)

Gene: RET (ret proto-oncogene; plus strand). Cytogenetic location: 10q11.21.
Variant type: single nucleotide variant.
Coding change: c.1016C>T on transcript NM_020975.6 (MANE Select); coding-DNA position 1016, C replaced by T.
Protein change: p.Ser339Leu; replaces serine 339 with leucine.
Molecular consequence: missense variant.
Genome position (GRCh38, 1-based): chr10:43,106,524, C>T. VCF-style: chr10-43106524-C-T. GRCh37 (hg19) VCF-style: chr10-43601972-C-T.
Other names: c.1016C>T, p.Ser339Leu (NM_000323.2, NM_001406743.1, NM_001406744.1 and 6 more transcripts); c.254C>T, p.Ser85Leu (NM_001355216.2); c.887C>T, p.Ser296Leu (NM_001406761.1, NM_001406762.1, NM_001406764.1 and 1 more transcripts); c.728C>T, p.Ser243Leu (NM_001406766.1, NM_001406767.1, NM_001406770.1); short protein forms S339L, S85L, S296L, S243L.
Identifiers: ClinVar variation 548870 (VCV000548870.18), dbSNP rs774829203, ClinGen allele CA030658.
Genomic context (GRCh38, chr10:43,106,524, plus strand): 5'-TCCCCGGGGACACCTGGGCCCAGCAGACCTTCCGGGTGGAACACTGGCCCAACGAGACCT[C>T]GGTCCAGGCCAACGGCAGCTTCGTGCGGGCGACCGTACATGACTATAGTAAGAGGGGCTG-3'
Protein context (NP_066124.1, residues 329-349): FRVEHWPNET[Ser339Leu]VQANGSFVRA

ClinVar aggregate classification (germline): Conflicting classifications of pathogenicity. Review status: criteria provided, conflicting classifications (1 of 4 stars). 6 submissions from 6 submitters: Uncertain significance (4); Likely benign (1). 1 of the submissions does not count toward it. Last evaluated 2025-08-31.

Conditions:
Multiple endocrine neoplasia, type 2 (MEN2). Identifiers: Orphanet 653, MedGen C4048306, MONDO:0019003. Disease mechanism: gain of function.
Pheochromocytoma. Also called: MAX-Related Hereditary Paraganglioma-Pheochromocytoma Syndrome. Identifiers: Orphanet 29072, MedGen C0031511, MONDO:0008233, OMIM 171300, HP:0002666.
Familial medullary thyroid carcinoma (MTC). Also called: Thyroid cancer, familial medullary; MTC, familial; Familial Medullary Thyroid Carcinoma (FMTC). Identifiers: Orphanet 653, Orphanet 99361, MedGen C1833921, MONDO:0007958, OMIM 155240.
Multiple endocrine neoplasia type 2B. Also called: Multiple endocrine neoplasia, type 3; MULTIPLE ENDOCRINE NEOPLASIA, TYPE IIB; MUCOSAL NEUROMA SYNDROME; MEN 2B; Multiple Endocrine Neoplasia Type 2B (MEN2B); MEN IIB. Identifiers: Orphanet 247709, Orphanet 653, MedGen C0025269, MeSH D018814, MONDO:0008082, OMIM 162300.
Multiple endocrine neoplasia type 2A. Also called: MULTIPLE ENDOCRINE NEOPLASIA, TYPE IIA; PTC SYNDROME; SIPPLE SYNDROME; MEN 2A; MEN-2A syndrome; Pheochromocytoma and amyloid producing medullary thyroid carcinoma. Identifiers: Orphanet 247698, Orphanet 653, MedGen C0025268, MeSH D018813, MONDO:0008234, OMIM 171400.
Hirschsprung disease, susceptibility to, 1 (HSCR1). Also called: RET-Related Hirschsprung Disease. Identifiers: Orphanet 388, MedGen C3888239, MONDO:0007723, OMIM 142623.
Hereditary cancer-predisposing syndrome. Also called: Neoplastic Syndromes, Hereditary; Hereditary Cancer Syndrome; Tumor predisposition; Hereditary neoplastic syndrome. Identifiers: Orphanet 140162, MedGen C0027672, MeSH D009386, MONDO:0015356.

Allele frequency attached by ClinVar (database versions not stated): ExAC 0.00001; gnomAD exomes 0.00001 and below 0.00001; gnomAD 0.00002; TOPMed 0.00002.
gnomAD v4.1: 8 of 1,613,686 alleles (0.0005%); highest among the groups gnomAD compares: Middle Eastern, 0.033%; no homozygotes.

Submissions (6):

Labcorp Genetics (formerly Invitae), Labcorp
Classification: Uncertain significance for Multiple endocrine neoplasia, type 2. Last evaluated: 2025-08-31. Review status: criteria provided, single submitter. Criteria: Invitae Variant Classification Sherloc (09022015). Collection method: clinical testing. Allele origin: germline.
Comment: This sequence change replaces serine, which is neutral and polar, with leucine, which is neutral and non-polar, at codon 339 of the RET protein (p.Ser339Leu). This variant is present in population databases (rs774829203, gnomAD 0.007%). This missense change has been observed in individual(s) with Hirschsprung disease (PMID: 22174939). ClinVar contains an entry for this variant (Variation ID: 548870). An algorithm developed to predict the effect of missense changes on protein structure and function outputs the following: PolyPhen-2: "Benign". The leucine amino acid residue is found in multiple mammalian species, which suggests that this missense change does not adversely affect protein function. In summary, the available evidence is currently insufficient to determine the role of this variant in disease. Therefore, it has been classified as a Variant of Uncertain Significance.

All of Us Research Program, National Institutes of Health
Classification: Uncertain significance for Multiple endocrine neoplasia, type 2. Last evaluated: 2023-07-10. Review status: criteria provided, single submitter. Criteria: ACMG Guidelines, 2015. Collection method: clinical testing. Allele origin: germline. Inheritance: Autosomal dominant inheritance. Observed: 1 variant allele, 1 heterozygote.
Comment: This missense variant replaces serine with leucine at codon 339 of the RET protein. Computational prediction suggests that this variant may not impact protein structure and function (internally defined REVEL score threshold <= 0.5, PMID: 27666373). To our knowledge, functional studies have not been reported for this variant. This variant has not been reported in individuals affected with RET-related multiple endocrine neoplasia or medullary thyroid cancer in the literature. This variant has been identified in 2/249444 chromosomes in the general population by the Genome Aggregation Database (gnomAD). The available evidence is insufficient to determine the role of this variant in disease conclusively. Therefore, this variant is classified as a Variant of Uncertain Significance.

This study involves interpretation of variants in research participants for the purpose of population health screening. Participant phenotype was not available at the time of variant classification. Additional details can be found in publication PMID: 35346344, PMCID: PMC8962531

Myriad Genetics, Inc.
Classification: Uncertain significance for Multiple endocrine neoplasia type 2A. Last evaluated: 2023-04-17. Review status: criteria provided, single submitter. Criteria: Myriad Autosomal Dominant, Autosomal Recessive and X-Linked Classification Criteria (2023). Collection method: clinical testing. Allele origin: unknown.
Comment: This variant is classified as a variant of uncertain significance as there is insufficient evidence to determine its impact on protein function and/or cancer risk.

Ambry Genetics
Classification: Likely benign for Hereditary cancer-predisposing syndrome. Last evaluated: 2022-03-14. Review status: criteria provided, single submitter. Criteria: Ambry Variant Classification Scheme 2023. Collection method: clinical testing. Allele origin: germline.

Fulgent Genetics
Classification: Uncertain significance for Hirschsprung disease, susceptibility to, 1; Familial medullary thyroid carcinoma; Multiple endocrine neoplasia type 2B; Pheochromocytoma; Multiple endocrine neoplasia type 2A. Last evaluated: 2021-11-16. Review status: criteria provided, single submitter. Criteria: ACMG Guidelines, 2015. Collection method: clinical testing. Allele origin: unknown.

Counsyl
Classification: Uncertain significance for Multiple endocrine neoplasia type 2A. Last evaluated: 2018-03-16. Review status: no assertion criteria provided. Collection method: clinical testing. Allele origin: unknown. Not counted in ClinVar's aggregate classification.

Literature cited by the submitters: PubMed 22174939 (cited by Labcorp Genetics (formerly Invitae), Labcorp and Counsyl).